The following is an entry in ClinVar:

NM_001083962.2(TCF4):c.31G>C (p.Gly11Arg)

Gene: TCF4 (transcription factor 4; minus strand). Cytogenetic location: 18q21.2.
Variant type: single nucleotide variant.
Coding change: c.31G>C on transcript NM_001083962.2 (MANE Select); coding-DNA position 31, G replaced by C.
Protein change: p.Gly11Arg; replaces glycine 11 with arginine.
Molecular consequence: missense variant. On other transcripts: intron variant (12).
Genome position (GRCh38, 1-based): chr18:55,587,086, C>G on the plus strand (G>C on the coding strand, the complement: TCF4 is on the minus strand). VCF-style: chr18-55587086-C-G. GRCh37 (hg19) VCF-style: chr18-53254317-C-G.
Other names: c.337G>C, p.Gly113Arg (NM_001243226.3); c.31G>C, p.Gly11Arg (NM_001243228.2, NM_001330604.3, NM_001369567.1 and 8 more transcripts); c.1-1734G>C (NM_001369584.1, NM_001369576.1, NM_001369577.1 and 3 more transcripts); c.66+1384G>C (NM_001243230.2); c.-1+952G>C (NM_001369585.1, NM_001369578.1, NM_001369579.1 and 2 more transcripts); short protein forms G113R, G11R.
Identifiers: ClinVar variation 2821006 (VCV002821006.3), dbSNP rs2511931715, ClinGen allele CA402704447.

ClinVar aggregate classification (germline): Uncertain significance (1 of 4 stars; one submission).

Conditions:
Pitt-Hopkins syndrome (PTHS). Also called: ENCEPHALOPATHY, SEVERE EPILEPTIC, WITH AUTONOMIC DYSFUNCTION; MENTAL RETARDATION, SYNDROMAL, WITH INTERMITTENT HYPERVENTILATION. Identifiers: Orphanet 2896, MedGen C1970431, MONDO:0012589, OMIM 610954.

Submission:

Labcorp Genetics (formerly Invitae), Labcorp
Classification: Uncertain significance for Pitt-Hopkins syndrome. Last evaluated: 2022-12-15. Review status: criteria provided, single submitter. Criteria: Invitae Variant Classification Sherloc (09022015). Collection method: clinical testing. Allele origin: germline.
Comment: This sequence change replaces glycine, which is neutral and non-polar, with arginine, which is basic and polar, at codon 11 of the TCF4 protein (p.Gly11Arg). This variant is not present in population databases (gnomAD no frequency). This variant has not been reported in the literature in individuals affected with TCF4-related conditions. Advanced modeling of protein sequence and biophysical properties (such as structural, functional, and spatial information, amino acid conservation, physicochemical variation, residue mobility, and thermodynamic stability) performed at Invitae indicates that this missense variant is not expected to disrupt TCF4 protein function. In summary, the available evidence is currently insufficient to determine the role of this variant in disease. Therefore, it has been classified as a Variant of Uncertain Significance.